The following is an entry in ClinVar:

NM_014141.6(CNTNAP2):c.3011-3C>T

Gene: CNTNAP2 (contactin associated protein 2; plus strand). Cytogenetic location: 7q36.1.
Variant type: single nucleotide variant.
Coding change: c.3011-3C>T on transcript NM_014141.6 (MANE Select); 3 bases into the intron before coding-DNA position 3011, C replaced by T.
Molecular consequence: intron variant.
Genome position (GRCh38, 1-based): chr7:148,217,285, C>T. VCF-style: chr7-148217285-C-T. GRCh37 (hg19) VCF-style: chr7-147914377-C-T.
Identifiers: ClinVar variation 1211566 (VCV001211566.5), dbSNP rs747361414, ClinGen allele CA4546533.

ClinVar aggregate classification (germline): Conflicting classifications of pathogenicity. Review status: criteria provided, conflicting classifications (1 of 4 stars). 2 submissions from 2 submitters: Uncertain significance (1); Likely benign (1). Last evaluated 2022-03-13.

Conditions:
Cortical dysplasia-focal epilepsy syndrome (PTHSL1). Also called: Pitt-Hopkins-like syndrome 1. Identifiers: Orphanet 163681, Orphanet 221150, MedGen C2750246, MONDO:0012400, OMIM 610042.

Allele frequency attached by ClinVar (database versions not stated): gnomAD exomes below 0.00001 and 0.00001; gnomAD 0.00001; ExAC 0.00002; TOPMed 0.00002.
gnomAD v4.1: 5 of 1,613,736 alleles (0.00031%); highest among the groups gnomAD compares: African/African-American, 0.0027%; no homozygotes.

Submissions (2):

Labcorp Genetics (formerly Invitae), Labcorp
Classification: Uncertain significance for Cortical dysplasia-focal epilepsy syndrome. Last evaluated: 2022-03-13. Review status: criteria provided, single submitter. Criteria: Invitae Variant Classification Sherloc (09022015). Collection method: clinical testing. Allele origin: germline.
Comment: This sequence change falls in intron 18 of the CNTNAP2 gene. It does not directly change the encoded amino acid sequence of the CNTNAP2 protein. It affects a nucleotide within the consensus splice site. This variant is present in population databases (rs747361414, gnomAD 0.007%). This variant has not been reported in the literature in individuals affected with CNTNAP2-related conditions. ClinVar contains an entry for this variant (Variation ID: 1211566). Variants that disrupt the consensus splice site are a relatively common cause of aberrant splicing (PMID: 17576681, 9536098). Algorithms developed to predict the effect of sequence changes on RNA splicing suggest that this variant is not likely to affect RNA splicing. In summary, the available evidence is currently insufficient to determine the role of this variant in disease. Therefore, it has been classified as a Variant of Uncertain Significance.

GeneDx
Classification: Likely benign. Last evaluated: 2020-05-13. Review status: criteria provided, single submitter. Criteria: GeneDx Variant Classification Process June 2021. Collection method: clinical testing. Allele origin: germline. Affected: yes.

Literature cited by the submitters: PubMed 17576681 (cited by Labcorp Genetics (formerly Invitae), Labcorp); PubMed 9536098 (cited by Labcorp Genetics (formerly Invitae), Labcorp).